The following is an entry in ClinVar:

ClinVar aggregate classification (germline): Benign/Likely benign. Review status: criteria provided, multiple submitters, no conflicts (2 of 4 stars). 3 submissions from 3 submitters: Benign (1); Likely benign (2). Last evaluated 2025-07-02.

Conditions:
Hereditary cancer-predisposing syndrome. Also called: Hereditary Cancer Syndrome; Hereditary neoplastic syndrome; Neoplastic Syndromes, Hereditary; Tumor predisposition. Identifiers: Orphanet 140162, MedGen C0027672, MeSH D009386, MONDO:0015356.
Hereditary nonpolyposis colorectal neoplasms. Identifiers: MedGen C0009405, MeSH D003123.
Lynch syndrome 5 (LYNCH5). Also called: Hereditary non-polyposis colorectal cancer, type 5; Colorectal cancer, hereditary nonpolyposis, type 5. Identifiers: Orphanet 144, MedGen C1833477, MONDO:0013710, OMIM 614350. Disease mechanism: loss of function.

Allele frequency attached by ClinVar (database versions not stated): gnomAD exomes below 0.00001.
gnomAD v4.1: 3 of 1,613,992 alleles (0.00019%); highest among the groups gnomAD compares: Non-Finnish European, 0.00025%; no homozygotes.

Submissions (3):

Labcorp Genetics (formerly Invitae), Labcorp
Classification: Likely benign for Hereditary nonpolyposis colorectal neoplasms. Last evaluated: 2025-07-02. Review status: criteria provided, single submitter. Criteria: Invitae Variant Classification Sherloc (09022015). Collection method: clinical testing. Allele origin: germline.

Myriad Genetics, Inc.
Classification: Benign for Lynch syndrome 5. Last evaluated: 2024-12-26. Review status: criteria provided, single submitter. Criteria: Myriad Autosomal Dominant, Autosomal Recessive and X-Linked Classification Criteria (2023). Collection method: clinical testing. Allele origin: unknown.
Comment: This variant is considered benign. This variant is a silent/synonymous amino acid change and it is not expected to impact splicing.

Ambry Genetics
Classification: Likely benign for Hereditary cancer-predisposing syndrome. Last evaluated: 2022-06-08. Review status: criteria provided, single submitter. Criteria: Ambry Variant Classification Scheme 2023. Collection method: clinical testing. Allele origin: germline.

NM_000179.3(MSH6):c.1302G>A (p.Glu434=)

Gene: MSH6 (mutS homolog 6; plus strand). Cytogenetic location: 2p16.3.
Variant type: single nucleotide variant.
Coding change: c.1302G>A on transcript NM_000179.3 (MANE Select); coding-DNA position 1302, G replaced by A.
Protein change: p.Glu434=; no amino-acid change (glutamic acid 434 retained).
Molecular consequence: synonymous variant. On other transcripts: non-coding transcript variant (4), intron variant (1).
Genome position (GRCh38, 1-based): chr2:47,799,285, G>A. VCF-style: chr2-47799285-G-A. GRCh37 (hg19) VCF-style: chr2-48026424-G-A.
Other names: c.1005G>A, p.Glu335= (NM_001406828.1, NM_001406830.1, NM_001406797.1 and 10 more transcripts); c.396G>A, p.Glu132= (NM_001406829.1, NM_001281493.2, NM_001281494.2 and 6 more transcripts); c.628-1381G>A (NM_001407362.1); c.912G>A, p.Glu304= (NM_001281492.2); c.1398G>A, p.Glu466= (NM_001406795.1, NM_001406802.1); c.1302G>A, p.Glu434= (NM_001406796.1, NM_001406798.1, NM_001406800.1 and 4 more transcripts); c.777G>A, p.Glu259= (NM_001406799.1, NM_001406806.1, NM_001406807.1); c.1224G>A, p.Glu408= (NM_001406804.1); and 2 more.
Identifiers: ClinVar variation 1769447 (VCV001769447.5), dbSNP rs2104334770, ClinGen allele CA426120901.